The following is an entry in ClinVar:

NM_001164508.2(NEB):c.23928+4T>C

Genes: NEB (nebulin; minus strand), RIF1 (replication timing regulatory factor 1; plus strand). Cytogenetic location: 2q23.3.
Variant type: single nucleotide variant.
Coding change: c.23928+4T>C on transcript NM_001164508.2 (MANE Select); 4 bases into the intron after coding-DNA position 23928, T replaced by C.
Molecular consequence: intron variant.
Genome position (GRCh38, 1-based): chr2:151,502,789, A>G on the plus strand (T>C on the coding strand, the complement: NEB is on the minus strand). VCF-style: chr2-151502789-A-G. GRCh37 (hg19) VCF-style: chr2-152359303-A-G.
Other names: c.18825+4T>C (NM_004543.5); c.23928+4T>C (NM_001164507.2); c.24033+4T>C (NM_001271208.2).
Identifiers: ClinVar variation 650909 (VCV000650909.8), dbSNP rs768465696, ClinGen allele CA1906191.

ClinVar aggregate classification (germline): Uncertain significance. Review status: criteria provided, multiple submitters, no conflicts (2 of 4 stars). 3 submissions from 3 submitters: Uncertain significance (2). 1 of the submissions does not count toward it. Last evaluated 2025-11-25.

Conditions:
Nemaline myopathy 2 (NEM2). Also called: Nemaline myopathy 2, autosomal recessive. Identifiers: MedGen C1850569, MONDO:0009725, OMIM 256030.

Allele frequency attached by ClinVar (database versions not stated): gnomAD exomes 0.00001 and 0.00004; gnomAD 0.00002; ExAC 0.00003; TOPMed 0.00003.
gnomAD v4.1: 25 of 1,572,994 alleles (0.0016%); highest among the groups gnomAD compares: Admixed American, 0.015%; no homozygotes.

Submissions (3):

Women's Health and Genetics/Laboratory Corporation of America, LabCorp
Classification: Uncertain significance. Last evaluated: 2025-11-25. Review status: criteria provided, single submitter. Criteria: LabCorp Variant Classification Summary - May 2015. Collection method: clinical testing. Allele origin: germline.

Labcorp Genetics (formerly Invitae), Labcorp
Classification: Uncertain significance for Nemaline myopathy 2. Last evaluated: 2022-07-28. Review status: criteria provided, single submitter. Criteria: Invitae Variant Classification Sherloc (09022015). Collection method: clinical testing. Allele origin: germline.
Comment: This sequence change falls in intron 168 of the NEB gene. It does not directly change the encoded amino acid sequence of the NEB protein. It affects a nucleotide within the consensus splice site. This variant is present in population databases (rs768465696, gnomAD 0.03%). This variant has not been reported in the literature in individuals affected with NEB-related conditions. ClinVar contains an entry for this variant (Variation ID: 650909). Variants that disrupt the consensus splice site are a relatively common cause of aberrant splicing (PMID: 17576681, 9536098). Algorithms developed to predict the effect of sequence changes on RNA splicing suggest that this variant is not likely to affect RNA splicing. In summary, the available evidence is currently insufficient to determine the role of this variant in disease. Therefore, it has been classified as a Variant of Uncertain Significance.

Natera, Inc.
Classification: Uncertain significance for Nemaline myopathy type 2. Last evaluated: 2020-03-04. Review status: no assertion criteria provided. Collection method: clinical testing. Allele origin: germline. Not counted in ClinVar's aggregate classification.

Literature cited by the submitters: PubMed 17576681 (cited by Labcorp Genetics (formerly Invitae), Labcorp); PubMed 9536098 (cited by Labcorp Genetics (formerly Invitae), Labcorp).